The following is an entry in ClinVar:

NM_012144.4(DNAI1):c.697G>A (p.Ala233Thr)

Gene: DNAI1 (dynein axonemal intermediate chain 1; plus strand). Cytogenetic location: 9p13.3.
Variant type: single nucleotide variant.
Coding change: c.697G>A on transcript NM_012144.4 (MANE Select); coding-DNA position 697, G replaced by A.
Protein change: p.Ala233Thr; replaces alanine 233 with threonine.
Molecular consequence: missense variant.
Genome position (GRCh38, 1-based): chr9:34,493,209, G>A. VCF-style: chr9-34493209-G-A. GRCh37 (hg19) VCF-style: chr9-34493207-G-A.
Other names: c.709G>A, p.Ala237Thr (NM_001281428.2); short protein forms A233T, A237T.
Identifiers: ClinVar variation 641466 (VCV000641466.4), dbSNP rs747538328, ClinGen allele CA5034168.

ClinVar aggregate classification (germline): Uncertain significance. Review status: criteria provided, single submitter (1 of 4 stars). 2 submissions from 2 submitters: Uncertain significance (1). 1 of the submissions does not count toward it. Last evaluated 2021-09-01.

Conditions:
Primary ciliary dyskinesia. Also called: Ciliary dyskinesia. Identifiers: Orphanet 244, MedGen C0008780, MONDO:0016575, HP:0012265.

Allele frequency attached by ClinVar (database versions not stated): TOPMed below 0.00001; gnomAD 0.00001; gnomAD exomes 0.00001 and 0.00002; ExAC 0.00002.
gnomAD v4.1: 14 of 1,614,082 alleles (0.00087%); highest among the groups gnomAD compares: Admixed American, 0.0067%; no homozygotes.

Submissions (2):

Labcorp Genetics (formerly Invitae), Labcorp
Classification: Uncertain significance for Primary ciliary dyskinesia. Last evaluated: 2021-09-01. Review status: criteria provided, single submitter. Criteria: Invitae Variant Classification Sherloc (09022015). Collection method: clinical testing. Allele origin: germline.
Comment: This sequence change replaces alanine with threonine at codon 233 of the DNAI1 protein (p.Ala233Thr). The alanine residue is moderately conserved and there is a small physicochemical difference between alanine and threonine. This variant is present in population databases (rs747538328, ExAC 0.009%). This variant has not been reported in the literature in individuals affected with DNAI1-related conditions. Algorithms developed to predict the effect of missense changes on protein structure and function are either unavailable or do not agree on the potential impact of this missense change (SIFT: "Tolerated"; PolyPhen-2: "Possibly Damaging"; Align-GVGD: "Class C0"). In summary, the available evidence is currently insufficient to determine the role of this variant in disease. Therefore, it has been classified as a Variant of Uncertain Significance.

Natera, Inc.
Classification: Uncertain significance for Primary ciliary dyskinesia. Last evaluated: 2020-09-16. Review status: no assertion criteria provided. Collection method: clinical testing. Allele origin: germline. Not counted in ClinVar's aggregate classification.